The following is an entry in ClinVar:

NM_006662.3(SRCAP):c.8333T>A (p.Val2778Glu)

Gene: SRCAP (Snf2 related CREBBP activator protein; plus strand). Cytogenetic location: 16p11.2.
Variant type: single nucleotide variant.
Coding change: c.8333T>A on transcript NM_006662.3 (MANE Select); coding-DNA position 8333, T replaced by A.
Protein change: p.Val2778Glu; replaces valine 2778 with glutamic acid.
Molecular consequence: missense variant.
Genome position (GRCh38, 1-based): chr16:30,738,373, T>A. VCF-style: chr16-30738373-T-A. GRCh37 (hg19) VCF-style: chr16-30749694-T-A.
Other names: short protein forms V2778E.
Identifiers: ClinVar variation 4703279 (VCV004703279.1).

ClinVar aggregate classification (germline): Uncertain significance (1 of 4 stars; one submission).

gnomAD v4.1: 3 of 1,558,854 alleles (0.00019%); highest among the groups gnomAD compares: East Asian, 0.0067%; no homozygotes.

Submission:

Labcorp Genetics (formerly Invitae), Labcorp
Classification: Uncertain significance. Last evaluated: 2025-09-15. Review status: criteria provided, single submitter. Criteria: Invitae Variant Classification Sherloc (09022015). Collection method: clinical testing. Allele origin: germline.
Comment: This sequence change replaces valine, which is neutral and non-polar, with glutamic acid, which is acidic and polar, at codon 2778 of the SRCAP protein (p.Val2778Glu). This variant is present in population databases (rs140641749, gnomAD 0.1%). This variant has not been reported in the literature in individuals affected with SRCAP-related conditions. Invitae Evidence Modeling of protein sequence and biophysical properties (such as structural, functional, and spatial information, amino acid conservation, physicochemical variation, residue mobility, and thermodynamic stability) indicates that this missense variant is not expected to disrupt SRCAP protein function with a negative predictive value of 80%. In summary, the available evidence is currently insufficient to determine the role of this variant in disease. Therefore, it has been classified as a Variant of Uncertain Significance.